The following is an entry in ClinVar:

ClinVar aggregate classification (germline): Uncertain significance (1 of 4 stars; one submission).

gnomAD v4.1: 1 of 1,600,418 alleles (0.000062%); highest among the groups gnomAD compares: Non-Finnish European, 0.000085%; no homozygotes.

Submission:

Labcorp Genetics (formerly Invitae), Labcorp
Classification: Uncertain significance. Last evaluated: 2025-11-10. Review status: criteria provided, single submitter. Criteria: Invitae Variant Classification Sherloc (09022015). Collection method: clinical testing. Allele origin: germline.
Comment: This sequence change replaces leucine, which is neutral and non-polar, with phenylalanine, which is neutral and non-polar, at codon 72 of the MFAP5 protein (p.Leu72Phe). The frequency data for this variant in the population databases is considered unreliable, as metrics indicate poor data quality at this position in the gnomAD database. This variant has not been reported in the literature in individuals affected with MFAP5-related conditions. An algorithm developed to predict the effect of missense changes on protein structure and function (PolyPhen-2) suggests that this variant is likely to be disruptive. In summary, the available evidence is currently insufficient to determine the role of this variant in disease. Therefore, it has been classified as a Variant of Uncertain Significance.

NM_003480.4(MFAP5):c.216G>C (p.Leu72Phe)

Gene: MFAP5 (microfibril associated protein 5; minus strand). Cytogenetic location: 12p13.31.
Variant type: single nucleotide variant.
Coding change: c.216G>C on transcript NM_003480.4 (MANE Select); coding-DNA position 216, G replaced by C.
Protein change: p.Leu72Phe; replaces leucine 72 with phenylalanine.
Molecular consequence: missense variant. On other transcripts: non-coding transcript variant (2), intron variant (1).
Genome position (GRCh38, 1-based): chr12:8,654,438, C>G on the plus strand (G>C on the coding strand, the complement: MFAP5 is on the minus strand). VCF-style: chr12-8654438-C-G. GRCh37 (hg19) VCF-style: chr12-8807034-C-G.
Other names: c.216G>C, p.Leu72Phe (NM_001297709.2, NM_001297712.2); c.180G>C, p.Leu60Phe (NM_001297710.2); c.172+977G>C (NM_001297711.2); short protein forms L60F, L72F.
Identifiers: ClinVar variation 4704384 (VCV004704384.1).